The following is an entry in ClinVar:

ClinVar aggregate classification (germline): Uncertain significance. Review status: criteria provided, multiple submitters, no conflicts (2 of 4 stars). 6 submissions from 6 submitters: Uncertain significance (6). Last evaluated 2024-07-25.

Conditions:
Inherited glutathione synthetase deficiency. Identifiers: Orphanet 32, MedGen C5979912, MONDO:0017909.
Inborn genetic diseases. Identifiers: MedGen C0950123, MeSH D030342.

Allele frequency attached by ClinVar (database versions not stated): gnomAD 0.00006 and 0.00007; ExAC 0.00010; gnomAD exomes 0.00012; TOPMed 0.00014; 1000 Genomes Project 30x 0.00031; 1000 Genomes Project 0.00040.

Submissions (6):

Revvity Omics, Revvity
Classification: Uncertain significance. Last evaluated: 2024-07-25. Review status: criteria provided, single submitter. Criteria: ACMG Guidelines, 2015. Collection method: clinical testing. Allele origin: germline.

GeneDx
Classification: Uncertain significance. Last evaluated: 2024-05-29. Review status: criteria provided, single submitter. Criteria: GeneDx Variant Classification Process June 2021. Collection method: clinical testing. Allele origin: germline. Affected: yes.
Comment: In silico analysis supports that this missense variant has a deleterious effect on protein structure/function; Has not been previously published as pathogenic or benign to our knowledge

ARUP Laboratories, Molecular Genetics and Genomics, ARUP Laboratories
Classification: Uncertain significance. Last evaluated: 2023-11-16. Review status: criteria provided, single submitter. Criteria: ARUP Molecular Germline Variant Investigation Process 2024. Collection method: clinical testing. Allele origin: germline.

Labcorp Genetics (formerly Invitae), Labcorp
Classification: Uncertain significance for Glutathione synthetase deficiency with 5-oxoprolinuria. Last evaluated: 2022-08-19. Review status: criteria provided, single submitter. Criteria: Invitae Variant Classification Sherloc (09022015). Collection method: clinical testing. Allele origin: germline.
Comment: This sequence change replaces arginine, which is basic and polar, with cysteine, which is neutral and slightly polar, at codon 332 of the GSS protein (p.Arg332Cys). This variant is present in population databases (rs568602749, gnomAD 0.06%). This variant has not been reported in the literature in individuals affected with GSS-related conditions. ClinVar contains an entry for this variant (Variation ID: 1351913). Algorithms developed to predict the effect of missense changes on protein structure and function are either unavailable or do not agree on the potential impact of this missense change (SIFT: "Deleterious"; PolyPhen-2: "Probably Damaging"; Align-GVGD: "Class C15"). In summary, the available evidence is currently insufficient to determine the role of this variant in disease. Therefore, it has been classified as a Variant of Uncertain Significance.

Mayo Clinic Laboratories, Mayo Clinic
Classification: Uncertain significance. Last evaluated: 2022-08-04. Review status: criteria provided, single submitter. Criteria: ACMG Guidelines, 2015. Collection method: clinical testing. Allele origin: germline. Observed: 1 variant allele.
Comment: PP3, PM1

Ambry Genetics
Classification: Uncertain significance for Inborn genetic diseases. Last evaluated: 2022-01-12. Review status: criteria provided, single submitter. Criteria: Ambry Variant Classification Scheme 2023. Collection method: clinical testing. Allele origin: germline.

NM_000178.4(GSS):c.994C>T (p.Arg332Cys)

Gene: GSS (glutathione synthetase; minus strand). Cytogenetic location: 20q11.22.
Variant type: single nucleotide variant.
Coding change: c.994C>T on transcript NM_000178.4 (MANE Select); coding-DNA position 994, C replaced by T.
Protein change: p.Arg332Cys; replaces arginine 332 with cysteine.
Molecular consequence: missense variant.
Genome position (GRCh38, 1-based): chr20:34,931,974, G>A on the plus strand (C>T on the coding strand, the complement: GSS is on the minus strand). VCF-style: chr20-34931974-G-A. GRCh37 (hg19) VCF-style: chr20-33519777-G-A.
Other names: p.Arg332Cys; c.994C>T (NM_000178.2, NM_000178.3); c.994C>T, p.Arg332Cys (NM_001322494.1, NM_001322495.1); short protein forms R332C.
Identifiers: ClinVar variation 1351913 (VCV001351913.9), dbSNP rs568602749, ClinGen allele CA9825915.
Genomic context (GRCh38, chr20:34,931,974, plus strand): 5'-TAGGAGAAACAGGCTGCCCACGTACCACATCCAGTGAGTAGAGGCCAGCAAAGGTGGCGC[G>A]GAGGCGGGCCACAGCCTCAGGCTGGCCAGGGAGCAACATCTCCAGCATGCCCGGCCTGCT-3'
Protein context (NP_000169.1, residues 322-342): PGQPEAVARL[Arg332Cys]ATFAGLYSLD